The following is an entry in ClinVar:

ClinVar aggregate classification (germline): Likely benign (0 of 4 stars; one submission).

Conditions:
CTSH-related disorder. Also called: CTSH-related condition.

Allele frequency attached by ClinVar (database versions not stated): ESP Exome Variant Server 0.00008; gnomAD exomes 0.00024; 1000 Genomes Project 30x 0.00047; gnomAD 0.00054; 1000 Genomes Project 0.00060; TOPMed 0.00070; ExAC 0.00113.

Submission:

PreventionGenetics, part of Exact Sciences
Classification: Likely benign for CTSH-related condition. Last evaluated: 2022-11-09. Review status: no assertion criteria provided. Collection method: clinical testing. Allele origin: germline.
Comment: This variant is classified as likely benign based on ACMG/AMP sequence variant interpretation guidelines (Richards et al. 2015 PMID: 25741868, with internal and published modifications).

NM_004390.5(CTSH):c.949C>T (p.Arg317Cys)

Gene: CTSH (cathepsin H; minus strand). Cytogenetic location: 15q25.1.
Variant type: single nucleotide variant.
Coding change: c.949C>T on transcript NM_004390.5 (MANE Select); coding-DNA position 949, C replaced by T.
Protein change: p.Arg317Cys; replaces arginine 317 with cysteine.
Molecular consequence: missense variant.
Genome position (GRCh38, 1-based): chr15:78,922,189, G>A on the plus strand (C>T on the coding strand, the complement: CTSH is on the minus strand). VCF-style: chr15-78922189-G-A. GRCh37 (hg19) VCF-style: chr15-79214531-G-A.
Other names: c.547C>T, p.Arg183Cys (NM_001319137.2); c.835C>T, p.Arg279Cys (NM_001411095.1); short protein forms R183C, R279C, R317C.
Identifiers: ClinVar variation 3041827 (VCV003041827.2), dbSNP rs11558397, ClinGen allele CA7687520.